The following is an entry in ClinVar:

ClinVar aggregate classification (germline): Likely benign (1 of 4 stars; one submission).

Allele frequency attached by ClinVar (database versions not stated): 1000 Genomes Project 0.00060; 1000 Genomes Project 30x 0.00062.
gnomAD v4.1: 42 of 1,613,964 alleles (0.0026%); highest among the groups gnomAD compares: South Asian, 0.024%; no homozygotes.

Submission:

CeGaT Center for Human Genetics Tuebingen
Classification: Likely benign. Last evaluated: 2022-03-01. Review status: criteria provided, single submitter. Criteria: CeGaT Center For Human Genetics Tuebingen Variant Classification Criteria Version 2. Collection method: clinical testing. Allele origin: germline. Affected: yes. Observed: 1 variant allele.
Comment: MUC4: BP4, BP7

NM_018406.7(MUC4):c.1686C>T (p.Gly562=)

Gene: MUC4 (mucin 4, cell surface associated). Cytogenetic location: 3q29.
Variant type: single nucleotide variant.
Coding change: c.1686C>T on transcript NM_018406.7 (MANE Select); coding-DNA position 1686, C replaced by T.
Protein change: p.Gly562=; no amino-acid change (glycine 562 retained).
Molecular consequence: synonymous variant. On other transcripts: genic upstream transcript variant (2).
Genome position (GRCh38, 1-based): chr3:195,789,894, G>A on the plus strand (C>T on the coding strand, the complement: MUC4 is on the minus strand). VCF-style: chr3-195789894-G-A. GRCh37 (hg19) VCF-style: chr3-195516765-G-A.
Other names: c.1701C>T, p.Gly567= (NM_001322468.1); c.83-15589C>T (NM_138297.5); c.83-11439C>T (NM_004532.6).
Identifiers: ClinVar variation 2654492 (VCV002654492.24), dbSNP rs79298322, ClinGen allele CA2775262.